The following is an entry in ClinVar:

NM_014014.5(SNRNP200):c.1863C>G (p.His621Gln)

Gene: SNRNP200 (small nuclear ribonucleoprotein U5 subunit 200; minus strand). Cytogenetic location: 2q11.2.
Variant type: single nucleotide variant.
Coding change: c.1863C>G on transcript NM_014014.5 (MANE Select); coding-DNA position 1863, C replaced by G.
Protein change: p.His621Gln; replaces histidine 621 with glutamine.
Molecular consequence: missense variant.
Genome position (GRCh38, 1-based): chr2:96,293,489, G>C on the plus strand (C>G on the coding strand, the complement: SNRNP200 is on the minus strand). VCF-style: chr2-96293489-G-C. GRCh37 (hg19) VCF-style: chr2-96959227-G-C.
Other names: short protein forms H621Q.
Identifiers: ClinVar variation 4746933 (VCV004746933.1).
Genomic context (GRCh38, chr2:96,293,489, plus strand): 5'-CATCTCAATGTTTCGGATGGCCCTGGCCACTAAAGCTTCTAAGACAGGACCTCTGTCATC[G>C]TGGAGAAGATGAATCTCATCCTACGGAATTGGAGGACAGAAATTACCTCTAGCACTAGAG-3'
Protein context (NP_054733.2, residues 611-631): LIILDEIHLL[His621Gln]DDRGPVLEAL

ClinVar aggregate classification (germline): Uncertain significance (1 of 4 stars; one submission).

Submission:

Labcorp Genetics (formerly Invitae), Labcorp
Classification: Uncertain significance. Last evaluated: 2025-09-13. Review status: criteria provided, single submitter. Criteria: Invitae Variant Classification Sherloc (09022015). Collection method: clinical testing. Allele origin: germline.
Comment: This sequence change replaces histidine, which is basic and polar, with glutamine, which is neutral and polar, at codon 621 of the SNRNP200 protein (p.His621Gln). This variant is not present in population databases (gnomAD no frequency). This variant has not been reported in the literature in individuals affected with SNRNP200-related conditions. Invitae Evidence Modeling of protein sequence and biophysical properties (such as structural, functional, and spatial information, amino acid conservation, physicochemical variation, residue mobility, and thermodynamic stability) has been performed for this missense variant. However, the output from this modeling did not meet the statistical confidence thresholds required to predict the impact of this variant on SNRNP200 protein function. In summary, the available evidence is currently insufficient to determine the role of this variant in disease. Therefore, it has been classified as a Variant of Uncertain Significance.